The following is an entry in ClinVar:

NM_002982.4(CCL2):c.211G>A (p.Ala71Thr)

Gene: CCL2 (C-C motif chemokine ligand 2; plus strand). Cytogenetic location: 17q12.
Variant type: single nucleotide variant.
Coding change: c.211G>A on transcript NM_002982.4 (MANE Select); coding-DNA position 211, G replaced by A.
Protein change: p.Ala71Thr; replaces alanine 71 with threonine.
Molecular consequence: missense variant.
Genome position (GRCh38, 1-based): chr17:34,256,738, G>A. VCF-style: chr17-34256738-G-A. GRCh37 (hg19) VCF-style: chr17-32583757-G-A.
Other names: short protein forms A71T.
Identifiers: ClinVar variation 4980867 (VCV004980867.1).
Genomic context (GRCh38, chr17:34,256,738, plus strand): 5'-AACTGCAAAGGAACTTCATCTAACTCTGTCCTCCCTCCCCACAGCTTCAAGACCATTGTG[G>A]CCAAGGAGATCTGTGCTGACCCCAAGCAGAAGTGGGTTCAGGATTCCATGGACCACCTGG-3'
Protein context (NP_002973.1, residues 61-81): KEAVIFKTIV[Ala71Thr]KEICADPKQK

ClinVar aggregate classification (germline): Likely benign (1 of 4 stars; one submission).

Conditions:
CCL2-related disorder. Also called: CCL2-related condition.

gnomAD v4.1: 1,084 of 1,612,468 alleles (0.067%); highest among the groups gnomAD compares: Non-Finnish European, 0.077%; 1 homozygote.

Submission:

PreventionGenetics, part of Exact Sciences
Classification: Likely benign for CCL2-related condition. Last evaluated: 2025-11-17. Review status: criteria provided, single submitter. Criteria: ACMG Guidelines, 2015. Collection method: clinical testing. Allele origin: germline.
Comment: This variant is classified as likely benign based on ACMG/AMP sequence variant interpretation guidelines (Richards et al. 2015 PMID: 25741868, with internal and published modifications).